The following is an entry in ClinVar:

ClinVar aggregate classification (germline): Pathogenic (1 of 4 stars; one submission).

Submission:

Labcorp Genetics (formerly Invitae), Labcorp
Classification: Pathogenic. Last evaluated: 2023-09-26. Review status: criteria provided, single submitter. Criteria: Invitae Variant Classification Sherloc (09022015). Collection method: clinical testing. Allele origin: unknown.
Comment: This variant is a gross deletion of the genomic region encompassing exon(s) 7-9 of the RLBP1 gene, which includes the termination codon. This deletion extends beyond the assayed region for this gene and therefore may encompass additional genes. While this deletion is not anticipated to lead to nonsense mediated decay, it is expected to alter mRNA translation or result in a truncated protein product. A similar copy number variant has been observed in individuals with retinitis punctata albescens and may be a founder variant (PMID: 17065479, 22559933). It has also been observed to segregate with disease in related individuals. For these reasons, this variant has been classified as Pathogenic.

Literature cited by the submitters: PubMed 17065479; PubMed 22559933.

NC_000015.9:g.(?_89753516)_(89755152_?)del

Gene: RLBP1 (retinaldehyde binding protein 1; minus strand). Cytogenetic location: 15q26.1.
Variant type: Deletion.
Identifiers: ClinVar variation 3243856 (VCV003243856.1).